The following is an entry in ClinVar:

NM_014225.6(PPP2R1A):c.1128+10C>T

Gene: PPP2R1A (protein phosphatase 2 scaffold subunit Aalpha; plus strand). Cytogenetic location: 19q13.41.
Variant type: single nucleotide variant.
Coding change: c.1128+10C>T on transcript NM_014225.6 (MANE Select); 10 bases into the intron after coding-DNA position 1128, C replaced by T.
Molecular consequence: intron variant.
Genome position (GRCh38, 1-based): chr19:52,216,673, C>T. VCF-style: chr19-52216673-C-T. GRCh37 (hg19) VCF-style: chr19-52719926-C-T.
Other names: c.591+10C>T (NM_001363656.2).
Identifiers: ClinVar variation 3047120 (VCV003047120.2), dbSNP rs2122351384, ClinGen allele CA2586787906.

ClinVar aggregate classification (germline): Likely benign (0 of 4 stars; one submission).

Conditions:
PPP2R1A-related disorder.

Allele frequency attached by ClinVar (database versions not stated): gnomAD exomes below 0.00001.
gnomAD v4.1: 3 of 1,614,110 alleles (0.00019%); highest among the groups gnomAD compares: Middle Eastern, 0.016%; no homozygotes.

Submission:

PreventionGenetics, part of Exact Sciences
Classification: Likely benign for PPP2R1A-related condition. Last evaluated: 2019-03-26. Review status: no assertion criteria provided. Collection method: clinical testing. Allele origin: germline.
Comment: This variant is classified as likely benign based on ACMG/AMP sequence variant interpretation guidelines (Richards et al. 2015 PMID: 25741868, with internal and published modifications).